The following is an entry in ClinVar:

NM_018972.4(GDAP1):c.550dup (p.Ala184fs)

Gene: GDAP1 (ganglioside induced differentiation associated protein 1; plus strand). Cytogenetic location: 8q21.11.
Variant type: Duplication.
Coding change: c.550dup on transcript NM_018972.4 (MANE Select); coding-DNA position 550, one base duplicated (G; older notation c.550dupG).
Protein change: p.Ala184fs; shifts the reading frame from alanine 184.
Molecular consequence: frameshift variant.
Genome position (GRCh38, 1-based): chr8:74,361,949, G duplicated. VCF-style (leftmost placement, unchanged base first): chr8-74361948-A-AG. GRCh37 (hg19) VCF-style: chr8-75274183-A-AG.
Other names: c.346dup, p.Ala116fs (NM_001040875.4); c.223dup, p.Ala75fs (NM_001362929.2, NM_001362932.2); c.376dup, p.Ala126fs (NM_001362930.2); c.550dup, p.Ala184fs (NM_001362931.2); short protein forms A116fs, A126fs, A184fs, A75fs.
Identifiers: ClinVar variation 2815780 (VCV002815780.3), dbSNP rs2536745258, ClinGen allele CA2739268829.

ClinVar aggregate classification (germline): Pathogenic (1 of 4 stars; one submission).

Conditions:
Charcot-Marie-Tooth disease type 4A. Also called: Charcot-Marie-Tooth disease, demyelinating, autosomal recessive, type 4a. Identifiers: Orphanet 99948, MedGen C1859198, MONDO:0008961, OMIM 214400.

Submission:

Labcorp Genetics (formerly Invitae), Labcorp
Classification: Pathogenic for Charcot-Marie-Tooth disease type 4A. Last evaluated: 2026-01-05. Review status: criteria provided, single submitter. Criteria: Invitae Variant Classification Sherloc (09022015). Collection method: clinical testing. Allele origin: germline.
Comment: This sequence change creates a premature translational stop signal (p.Ala184Glyfs*10) in the GDAP1 gene. It is expected to result in an absent or disrupted protein product. Loss-of-function variants in GDAP1 are known to be pathogenic (PMID: 11743580). This variant is not present in population databases (gnomAD no frequency). This variant has not been reported in the literature in individuals affected with GDAP1-related conditions. ClinVar contains an entry for this variant (Variation ID: 2815780). For these reasons, this variant has been classified as Pathogenic.

Literature cited by the submitters: PubMed 11743580.